The following is an entry in ClinVar:

ClinVar aggregate classification (germline): Conflicting classifications of pathogenicity. Review status: criteria provided, conflicting classifications (1 of 4 stars). 9 submissions from 9 submitters: Pathogenic (3); Likely pathogenic (4); Uncertain significance (2). Last evaluated 2025-07-06.

Conditions:
Ehlers-Danlos syndrome, kyphoscoliotic type 1 (EDSKSCL1). Also called: Ehlers-Danlos syndrome, hydroxylysine-deficient; EHLERS-DANLOS SYNDROME, OCULAR-SCOLIOTIC TYPE; PLOD1-Related Kyphoscoliotic Ehlers-Danlos Syndrome; EHLERS-DANLOS SYNDROME, TYPE VIA. Identifiers: Orphanet 1900, MedGen C0268342, MONDO:0016002, OMIM 225400. Disease mechanism: loss of function.
Familial thoracic aortic aneurysm and aortic dissection (TAAD). Also called: Thoracic aortic aneurysms and dissections. Identifiers: Orphanet 91387, MedGen C4707243, MONDO:0019625.
PLOD1-related disorder. Also called: PLOD1-related condition.

Allele frequency attached by ClinVar (database versions not stated): TOPMed below 0.00001; ExAC 0.00001; gnomAD 0.00001; gnomAD exomes 0.00001.
gnomAD v4.1: 10 of 1,612,726 alleles (0.00062%); highest among the groups gnomAD compares: Middle Eastern, 0.018%; no homozygotes.

Submissions (9):

Labcorp Genetics (formerly Invitae), Labcorp
Classification: Pathogenic for Ehlers-Danlos syndrome, kyphoscoliotic type 1. Last evaluated: 2025-07-06. Review status: criteria provided, single submitter. Criteria: Invitae Variant Classification Sherloc (09022015). Collection method: clinical testing. Allele origin: germline.
Comment: This sequence change affects codon 365 of the PLOD1 mRNA. It is a 'silent' change, meaning that it does not change the encoded amino acid sequence of the PLOD1 protein. RNA analysis indicates that this variant induces altered splicing and may result in an absent or altered protein product. This variant is not present in population databases (gnomAD no frequency). This variant has been observed in individuals with Ehlers-Danlos syndrome, type VI (EDS VI) (PMID: 10874315, 21699693, 32381727, 35252061). This variant is also known as c.1119C>T. ClinVar contains an entry for this variant (Variation ID: 580535). Studies have shown that this variant alters mRNA splicing and is expected to lead to the loss of protein expression (PMID: 35252061). For these reasons, this variant has been classified as Pathogenic.

Institute of Human Genetics Munich, TUM University Hospital
Classification: Pathogenic for Ehlers-Danlos syndrome, kyphoscoliotic type 1. Last evaluated: 2024-08-01. Review status: criteria provided, single submitter. Criteria: Classification criteria August 2017. Collection method: clinical testing. Allele origin: inherited. Inheritance: Autosomal recessive inheritance. Affected: yes. Observed: 1 variant allele.

Blueprint Genetics
Classification: Pathogenic for PLOD1-related disorders. Last evaluated: 2024-03-07. Review status: criteria provided, single submitter. Criteria: ACMG Guidelines, 2015. Collection method: clinical testing. Allele origin: germline. Affected: yes. Observed: 1 variant allele.

Department of Human Genetics, Hannover Medical School
Classification: Likely pathogenic for Ehlers-Danlos syndrome, kyphoscoliotic type 1. Last evaluated: 2023-11-10. Review status: criteria provided, single submitter. Criteria: ACMG Guidelines, 2015. Collection method: clinical testing. Allele origin: inherited. Inheritance: Autosomal recessive inheritance. Affected: yes.

Ambry Genetics
Classification: Likely pathogenic for Familial thoracic aortic aneurysm and aortic dissection. Last evaluated: 2023-02-15. Review status: criteria provided, single submitter. Criteria: Ambry Variant Classification Scheme 2023. Collection method: clinical testing. Allele origin: germline.
Comment: The c.1095C>T variant (also known as p.G365G), located in coding exon 10 of the PLOD1 gene, results from a C to T substitution at nucleotide position 1095. This nucleotide substitution does not change the at codon 365. This alteration, which is also known as c.1119C>T, has been reported as homozygous in an individuals with concerns for autosomal recessive kyphoscoliotic Ehlers-Danlos syndrome (EDS type VI) (Rohrbach M et al. Orphanet J Rare Dis, 2011 Jun;6:46; Zhao S et al. J Med Genet, 2021 Jan;58:41-47; Yan X et al. Front Pediatr, 2022 Feb;10:813758). Additionally, this alteration has been noted with a second PLOD1 alteration (phase unknown) in another individual with a clinical diagnosis of EDS type VI (Yeowell HN et al. Hum Mutat, 2000 Jul;16:90). RNA studies showed complete aberrant splicing (Yan X et al. Front Pediatr, 2022 Feb;10:813758). This variant is considered to be rare based on population cohorts in the Genome Aggregation Database (gnomAD). This nucleotide position is well conserved in available vertebrate species. In silico splice site analysis predicts that this alteration will weaken the native splice donor site and will result in the creation or strengthening of a novel splice donor site. Based on the majority of available evidence to date, this variant is likely to be pathogenic.

Neuberg Centre For Genomic Medicine, NCGM
Classification: Uncertain significance for Ehlers-Danlos syndrome, kyphoscoliotic type 1. Last evaluated: 2023-02-14. Review status: criteria provided, single submitter. Criteria: ACMG Guidelines, 2015. Collection method: clinical testing. Allele origin: germline. Inheritance: Autosomal recessive inheritance. Affected: yes.
Comment: The splice region variant c.1095C>T(p.Gly365) variant has been reported in homozygous state in patients affected with Ehlers-Danlos syndrome (Rohrbach M, et. al., 2011; Yan X, et. al., 2022). The variant is reported with an allele frequency of 0% in the gnomAD exomes database and is novel (not in any individuals) in 1000 Genomes database. This variant has been reported to the ClinVar database as Likely pathogenic/ Uncertain Significance. As this variant lies in splice region, additional functional studies are required to prove pathogenicity of the variant. For these reasons, this variant has been classified as Variant of Uncertain Significance (VUS)

Laboratorio de Genetica e Diagnostico Molecular, Hospital Israelita Albert Einstein
Classification: Likely pathogenic for Ehlers-Danlos syndrome, kyphoscoliotic type 1. Last evaluated: 2022-09-27. Review status: criteria provided, single submitter. Criteria: ACMG Guidelines, 2015. Collection method: clinical testing. Allele origin: germline. Affected: yes. Observed: 2 variant alleles.
Comment: ACMG classification criteria: PS3 supporting, PS4 supporting, PM2 moderated, PM3 supporting, PP3 supporting

GeneDx
Classification: Uncertain significance. Last evaluated: 2019-07-03. Review status: criteria provided, single submitter. Criteria: GeneDx Variant Classification Process June 2021. Collection method: clinical testing. Allele origin: germline. Affected: yes.
Comment: Not observed in large population cohorts (Lek et al., 2016); In silico analysis, which includessplice predictorsand evolutionary conservation, supports a deleterious effect; This variant is associated with the following publications: (PMID: 10686424, 21699693, 10874315)

Juno Genomics, Hangzhou Juno Genomics, Inc
Classification: Likely pathogenic for Ehlers-Danlos syndrome, kyphoscoliotic type 1. Review status: criteria provided, single submitter. Criteria: ACMG Guidelines, 2015. Collection method: clinical testing. Allele origin: germline.
Comment: Absent from controls (or at extremely low frequency if recessive) in Genome Aggregation Database.;For recessive disorders, detected in trans with a pathogenic variant.;Well-established in vitro or in vivo functional studies supportive of a damaging effect on the gene or gene product.

Literature cited by the submitters: PubMed 10874315 (cited by Labcorp Genetics (formerly Invitae), Labcorp and Ambry Genetics); PubMed 21699693 (cited by Labcorp Genetics (formerly Invitae), Labcorp and Ambry Genetics); PubMed 32381727 (cited by Labcorp Genetics (formerly Invitae), Labcorp and Ambry Genetics); PubMed 35252061 (cited by Labcorp Genetics (formerly Invitae), Labcorp and Ambry Genetics).

NM_000302.4(PLOD1):c.1095C>T (p.Gly365=)

Gene: PLOD1 (procollagen-lysine,2-oxoglutarate 5-dioxygenase 1; plus strand). Cytogenetic location: 1p36.22.
Variant type: single nucleotide variant.
Coding change: c.1095C>T on transcript NM_000302.4 (MANE Select); coding-DNA position 1095, C replaced by T.
Protein change: p.Gly365=; no amino-acid change (glycine 365 retained).
Molecular consequence: synonymous variant.
Genome position (GRCh38, 1-based): chr1:11,960,765, C>T. VCF-style: chr1-11960765-C-T. GRCh37 (hg19) VCF-style: chr1-12020822-C-T.
Other names: c.1236C>T, p.Gly412= (NM_001316320.2).
Identifiers: ClinVar variation 580535 (VCV000580535.18), dbSNP rs1032781250, ClinGen allele CA598256.